The following is an entry in ClinVar:

ClinVar aggregate classification (germline): Likely benign (1 of 4 stars; one submission).

Allele frequency attached by ClinVar (database versions not stated): gnomAD exomes below 0.00001; TOPMed below 0.00001; ExAC 0.00001.
gnomAD v4.1: 4 of 1,614,192 alleles (0.00025%); highest among the groups gnomAD compares: Middle Eastern, 0.016%; no homozygotes.

Submission:

CeGaT Center for Human Genetics Tuebingen
Classification: Likely benign. Last evaluated: 2025-07-01. Review status: criteria provided, single submitter. Criteria: CeGaT Center For Human Genetics Tuebingen Variant Classification Criteria Version 2. Collection method: clinical testing. Allele origin: germline. Affected: yes. Observed: 3 variant alleles.
Comment: MED13L: BP4, BP7

NM_015335.5(MED13L):c.3768T>C (p.Cys1256=)

Gene: MED13L (mediator complex subunit 13L; minus strand). Cytogenetic location: 12q24.21.
Variant type: single nucleotide variant.
Coding change: c.3768T>C on transcript NM_015335.5 (MANE Select); coding-DNA position 3768, T replaced by C.
Protein change: p.Cys1256=; no amino-acid change (cysteine 1256 retained).
Molecular consequence: synonymous variant.
Genome position (GRCh38, 1-based): chr12:115,991,186, A>G on the plus strand (T>C on the coding strand, the complement: MED13L is on the minus strand). VCF-style: chr12-115991186-A-G. GRCh37 (hg19) VCF-style: chr12-116428991-A-G.
Identifiers: ClinVar variation 2643364 (VCV002643364.24), dbSNP rs765216049, ClinGen allele CA6810937.